The following is an entry in ClinVar:

NM_002292.4(LAMB2):c.787C>T (p.Arg263Trp)

Gene: LAMB2 (laminin subunit beta 2; minus strand). Cytogenetic location: 3p21.31.
Variant type: single nucleotide variant.
Coding change: c.787C>T on transcript NM_002292.4 (MANE Select); coding-DNA position 787, C replaced by T.
Protein change: p.Arg263Trp; replaces arginine 263 with tryptophan.
Molecular consequence: missense variant.
Genome position (GRCh38, 1-based): chr3:49,131,078, G>A on the plus strand (C>T on the coding strand, the complement: LAMB2 is on the minus strand). VCF-style: chr3-49131078-G-A. GRCh37 (hg19) VCF-style: chr3-49168511-G-A.
Other names: c.787C>T (NM_002292.3); short protein forms R263W.
Identifiers: ClinVar variation 999478 (VCV000999478.6), dbSNP rs200316162, ClinGen allele CA2394797.

ClinVar aggregate classification (germline): Uncertain significance. Review status: criteria provided, multiple submitters, no conflicts (2 of 4 stars). 3 submissions from 3 submitters: Uncertain significance (3). Last evaluated 2025-05-16.

Conditions:
Pierson syndrome. Also called: MICROCORIA-CONGENITAL NEPHROTIC SYNDROME. Identifiers: Orphanet 2670, MedGen C1836876, MONDO:0012184, OMIM 609049.
LAMB2-related infantile-onset nephrotic syndrome. Also called: NEPHROTIC SYNDROME, TYPE 5, WITHOUT OCULAR ABNORMALITIES; NEPHROTIC SYNDROME, TYPE 5, WITH OCULAR ABNORMALITIES; Nephrotic Syndrome, type 5. Identifiers: Orphanet 306507, MedGen C3280113, MONDO:0013621, OMIM 614199.
Inborn genetic diseases. Identifiers: MedGen C0950123, MeSH D030342.

Allele frequency attached by ClinVar (database versions not stated): gnomAD exomes 0.00005; gnomAD 0.00006 and 0.00007; TOPMed 0.00007; ExAC 0.00008; ESP Exome Variant Server 0.00008.

Submissions (3):

Ambry Genetics
Classification: Uncertain significance for Inborn genetic diseases. Last evaluated: 2025-05-16. Review status: criteria provided, single submitter. Criteria: Ambry Variant Classification Scheme 2023. Collection method: clinical testing. Allele origin: germline.

Fulgent Genetics
Classification: Uncertain significance for Pierson syndrome; LAMB2-related infantile-onset nephrotic syndrome. Last evaluated: 2024-04-23. Review status: criteria provided, single submitter. Criteria: ACMG Guidelines, 2015. Collection method: clinical testing. Allele origin: germline.

Labcorp Genetics (formerly Invitae), Labcorp
Classification: Uncertain significance for LAMB2-related infantile-onset nephrotic syndrome; Pierson syndrome. Last evaluated: 2023-06-30. Review status: criteria provided, single submitter. Criteria: Invitae Variant Classification Sherloc (09022015). Collection method: clinical testing. Allele origin: germline.
Comment: This variant has not been reported in the literature in individuals affected with LAMB2-related conditions. In summary, the available evidence is currently insufficient to determine the role of this variant in disease. Therefore, it has been classified as a Variant of Uncertain Significance. An algorithm developed to predict the effect of missense changes on protein structure and function (PolyPhen-2) suggests that this variant is likely to be disruptive. ClinVar contains an entry for this variant (Variation ID: 999478). This variant is present in population databases (rs200316162, gnomAD 0.009%). This sequence change replaces arginine, which is basic and polar, with tryptophan, which is neutral and slightly polar, at codon 263 of the LAMB2 protein (p.Arg263Trp).